The following is an entry in ClinVar:

NM_005634.3(SOX3):c.1006A>T (p.Met336Leu)

Gene: SOX3 (SRY-box transcription factor 3; minus strand). Cytogenetic location: Xq27.1.
Variant type: single nucleotide variant.
Coding change: c.1006A>T on transcript NM_005634.3 (MANE Select); coding-DNA position 1006, A replaced by T.
Protein change: p.Met336Leu; replaces methionine 336 with leucine.
Molecular consequence: missense variant.
Genome position (GRCh38, 1-based): chrX:140,504,055, T>A on the plus strand (A>T on the coding strand, the complement: SOX3 is on the minus strand). VCF-style: chrX-140504055-T-A. GRCh37 (hg19) VCF-style: chrX-139586220-T-A.
Other names: short protein forms M336L.
Identifiers: ClinVar variation 3389129 (VCV003389129.14).
Genomic context (GRCh38, chrX:140,504,055, plus strand): 5'-CGGCGGTGGCGGGCTGCTGCCCGTAGGCGGCGGCCGCGGCTGCTGTGGCTGAGGGCGCCA[T>A]GCCCCCGTAGCCCGAGGCGGCGGCGGCCGCGGCAGCGACGTTCATGTAGCTCTGAGCGCC-3'
Protein context (NP_005625.2, residues 326-346): AAAAASGYGG[Met336Leu]APSATAAAAA

ClinVar aggregate classification (germline): Likely benign (1 of 4 stars; one submission).

gnomAD v4.1: 5 of 971,527 alleles (0.00051%); highest among the groups gnomAD compares: Non-Finnish European, 0.00064%; no homozygotes.

Submission:

CeGaT Center for Human Genetics Tuebingen
Classification: Likely benign. Last evaluated: 2024-10-01. Review status: criteria provided, single submitter. Criteria: CeGaT Center For Human Genetics Tuebingen Variant Classification Criteria Version 2. Collection method: clinical testing. Allele origin: germline. Affected: yes. Observed: 1 variant allele.
Comment: SOX3: BS2